The following is an entry in ClinVar:

ClinVar aggregate classification (germline): Uncertain significance. Review status: criteria provided, multiple submitters, no conflicts (2 of 4 stars). 2 submissions from 2 submitters: Uncertain significance (2). Last evaluated 2026-07-06.

Conditions:
Multiple endocrine neoplasia, type 1 (MEN1). Also called: MEA I; MEN I; WERMER SYNDROME; Endocrine adenomatosis multiple; MEN 1. Identifiers: Orphanet 652, MedGen C0025267, MeSH D018761, MONDO:0007540, OMIM 131100.
Hereditary cancer-predisposing syndrome. Also called: Hereditary Cancer Syndrome; Hereditary neoplastic syndrome; Neoplastic Syndromes, Hereditary; Tumor predisposition. Identifiers: Orphanet 140162, MedGen C0027672, MeSH D009386, MONDO:0015356.

Allele frequency attached by ClinVar (database versions not stated): gnomAD exomes below 0.00001.
gnomAD v4.1: 1 of 1,614,016 alleles (0.000062%); highest among the groups gnomAD compares: Non-Finnish European, 0.000085%; no homozygotes.

Submissions (2):

Ambry Genetics
Classification: Uncertain significance for Hereditary cancer-predisposing syndrome. Last evaluated: 2026-07-06. Review status: criteria provided, single submitter. Criteria: Ambry Variant Classification Scheme 2023. Collection method: clinical testing. Allele origin: germline.
Comment: The p.G391R variant (also known as c.1171G>A), located in coding exon 7 of the MEN1 gene, results from a G to A substitution at nucleotide position 1171. The glycine at codon 391 is replaced by arginine, an amino acid with dissimilar properties. This amino acid position is conserved. In addition, the in silico prediction for this alteration is inconclusive. Based on the available evidence, the clinical significance of this variant remains unclear.

Labcorp Genetics (formerly Invitae), Labcorp
Classification: Uncertain significance for Multiple endocrine neoplasia, type 1. Last evaluated: 2023-03-24. Review status: criteria provided, single submitter. Criteria: Invitae Variant Classification Sherloc (09022015). Collection method: clinical testing. Allele origin: germline.
Comment: This sequence change replaces glycine, which is neutral and non-polar, with arginine, which is basic and polar, at codon 391 of the MEN1 protein (p.Gly391Arg). This variant is not present in population databases (gnomAD no frequency). This variant has not been reported in the literature in individuals affected with MEN1-related conditions. Advanced modeling of protein sequence and biophysical properties (such as structural, functional, and spatial information, amino acid conservation, physicochemical variation, residue mobility, and thermodynamic stability) performed at Invitae indicates that this missense variant is not expected to disrupt MEN1 protein function. In summary, the available evidence is currently insufficient to determine the role of this variant in disease. Therefore, it has been classified as a Variant of Uncertain Significance.

NM_001370259.2(MEN1):c.1171G>A (p.Gly391Arg)

Gene: MEN1 (menin 1; minus strand). Cytogenetic location: 11q13.1.
Variant type: single nucleotide variant.
Coding change: c.1171G>A on transcript NM_001370259.2 (MANE Select); coding-DNA position 1171, G replaced by A.
Protein change: p.Gly391Arg; replaces glycine 391 with arginine.
Molecular consequence: missense variant. On other transcripts: non-coding transcript variant (4).
Genome position (GRCh38, 1-based): chr11:64,805,649, C>T on the plus strand (G>A on the coding strand, the complement: MEN1 is on the minus strand). VCF-style: chr11-64805649-C-T. GRCh37 (hg19) VCF-style: chr11-64573121-C-T.
Other names: c.1186G>A, p.Gly396Arg (NM_000244.4, NM_001407145.1, NM_130800.3 and 4 more transcripts); c.1297G>A, p.Gly433Arg (NM_001370251.2, NM_001407142.1, NM_001407143.1 and 1 more transcripts); c.1171G>A, p.Gly391Arg (NM_001370260.2, NM_001370261.2, NM_001407146.1 and 3 more transcripts); c.1066G>A, p.Gly356Arg (NM_001370262.2, NM_001370263.2, NM_001407148.1 and 1 more transcripts); c.1312G>A, p.Gly438Arg (NM_001407150.1); c.1192G>A, p.Gly398Arg (NM_001407151.1); short protein forms G356R, G433R, G438R, G398R, G396R, G391R.
Identifiers: ClinVar variation 2789054 (VCV002789054.4), dbSNP rs2497156350, ClinGen allele CA381182085.